The following is an entry in ClinVar:

ClinVar aggregate classification (germline): Uncertain significance. Review status: criteria provided, multiple submitters, no conflicts (2 of 4 stars). 2 submissions from 2 submitters: Uncertain significance (2). Last evaluated 2025-05-14.

Conditions:
Inborn genetic diseases. Identifiers: MedGen C0950123, MeSH D030342.

Submissions (2):

GeneDx
Classification: Uncertain significance. Last evaluated: 2025-05-14. Review status: criteria provided, single submitter. Criteria: GeneDx Variant Classification Process June 2021. Collection method: clinical testing. Allele origin: germline. Affected: yes.
Comment: Not observed at significant frequency in large population cohorts (gnomAD); In silico analysis supports that this missense variant has a deleterious effect on protein structure/function; Has not been previously published as pathogenic or benign to our knowledge

Ambry Genetics
Classification: Uncertain significance for Inborn genetic diseases. Last evaluated: 2023-10-05. Review status: criteria provided, single submitter. Criteria: Ambry Variant Classification Scheme 2023. Collection method: clinical testing. Allele origin: germline.

NM_006236.3(POU3F3):c.551C>T (p.Pro184Leu)

Gene: POU3F3 (POU class 3 homeobox 3; plus strand). Cytogenetic location: 2q12.1.
Variant type: single nucleotide variant.
Coding change: c.551C>T on transcript NM_006236.3 (MANE Select); coding-DNA position 551, C replaced by T.
Protein change: p.Pro184Leu; replaces proline 184 with leucine.
Molecular consequence: missense variant.
Genome position (GRCh38, 1-based): chr2:104,856,061, C>T. VCF-style: chr2-104856061-C-T. GRCh37 (hg19) VCF-style: chr2-105472519-C-T.
Other names: short protein forms P184L.
Identifiers: ClinVar variation 3216934 (VCV003216934.2), dbSNP rs1676558990, ClinGen allele CA348096993.